The following is an entry in ClinVar:

ClinVar aggregate classification (germline): Conflicting classifications of pathogenicity. Review status: criteria provided, conflicting classifications (1 of 4 stars). 8 submissions from 8 submitters: Uncertain significance (1); Benign (3); Likely benign (2). 2 of the submissions do not count toward it. Last evaluated 2025-07-23.

Conditions:
Autosomal dominant Parkinson disease 8. Also called: Parkinson disease 8, susceptibility to; LRRK2-Related Parkinson Disease; Parkinson disease 8. Identifiers: Orphanet 411602, MedGen C1846862, MONDO:0011764, OMIM 607060.

Allele frequency attached by ClinVar (database versions not stated): 1000 Genomes Project 30x 0.00016; 1000 Genomes Project 0.00020; ESP Exome Variant Server 0.00054; TOPMed 0.00059; gnomAD 0.00082 and 0.00085; ExAC 0.00085.
gnomAD v4.1: 1,334 of 1,614,010 alleles (0.083%); highest among the groups gnomAD compares: Admixed American, 0.12%; 2 homozygotes.

Submissions (8):

Labcorp Genetics (formerly Invitae), Labcorp
Classification: Benign for Autosomal dominant Parkinson disease 8. Last evaluated: 2025-07-23. Review status: criteria provided, single submitter. Criteria: Invitae Variant Classification Sherloc (09022015). Collection method: clinical testing. Allele origin: germline.

Women's Health and Genetics/Laboratory Corporation of America, LabCorp
Classification: Likely benign. Last evaluated: 2024-12-16. Review status: criteria provided, single submitter. Criteria: LabCorp Variant Classification Summary - May 2015. Collection method: clinical testing. Allele origin: germline.

Mayo Clinic Laboratories, Mayo Clinic
Classification: Benign. Last evaluated: 2023-09-28. Review status: criteria provided, single submitter. Criteria: ACMG Guidelines, 2015. Collection method: clinical testing. Allele origin: germline. Observed: 2 variant alleles.
Comment: BS1, BS2

GeneDx
Classification: Benign. Last evaluated: 2021-03-15. Review status: criteria provided, single submitter. Criteria: GeneDx Variant Classification Process June 2021. Collection method: clinical testing. Allele origin: germline. Affected: yes.
Comment: This variant is associated with the following publications: (PMID: 17914064, 31733655, 20177695, 21885347, 24470158, 17803033, 33494262, 24488318, 17523199, 20642453, 22988870, 25401511, 16251215, 27393345, 31996268, 17078063, 19006185)

Mendelics
Classification: Uncertain significance for Autosomal dominant Parkinson disease 8. Last evaluated: 2019-05-28. Review status: criteria provided, single submitter. Criteria: Mendelics Assertion Criteria 2017. Collection method: clinical testing. Allele origin: unknown.

Illumina Laboratory Services, Illumina
Classification: Likely benign for Autosomal dominant Parkinson disease 8. Last evaluated: 2017-04-27. Review status: criteria provided, single submitter. Criteria: ICSL Variant Classification Criteria 13 December 2019. Collection method: clinical testing. Allele origin: germline.
Comment: This variant was observed as part of a predisposition screen in an ostensibly healthy population. A literature search was performed for the gene, cDNA change, and amino acid change (where applicable). Publications were found based on this search. The evidence from the literature, in combination with allele frequency data from public databases where available, was sufficient to determine this variant is unlikely to cause disease. Therefore, this variant is classified as likely benign.

Department of Pathology and Laboratory Medicine, Sinai Health System
Classification: Uncertain significance. Review status: no assertion criteria provided. Collection method: clinical testing. Allele origin: unknown. Affected: yes. Study: The Canadian Open Genetics Repository (COGR). Not counted in ClinVar's aggregate classification.
Comment: The LRRK2 p.Arg793Met variant was identified in 6 of 1844 proband chromosomes (frequency: 0.00325) from individuals or families with Parkinson disease (PD) or neurodegenerative disease (Chen-Plotnik_2008_PMID: 17914064; Berg_2005_ PMID: 16251215; Covy_2009_ PMID: 19006185). The variant was identified in dbSNP (ID: rs35173587) and ClinVar (classified as likely benignâ€šÃ„Ã£ by Illumina) but was not identified in Cosmic or LOVD 3.0. The variant was identified in control databases in 299 of 282754 chromosomes (1 homozygous) at a frequency of 0.001057 increasing the likelihood this could be a low frequency benign variant (Genome Aggregation Database Feb 27, 2017). The variant was observed in the following populations: European (Finnish) in 126 of 25118 chromosomes (freq: 0.005016), Other in 14 of 7220 chromosomes (freq: 0.001939), Latino in 53 of 35434 chromosomes (freq: 0.001496), European (non-Finnish) in 100 of 129090 chromosomes (freq: 0.000775), South Asian in 5 of 30616 chromosomes (freq: 0.000163) and African in 1 of 24968 chromosomes (freq: 0.00004); it was not observed in the Ashkenazi Jewish, and East Asian populations. The p.Arg793 residue is not conserved in mammals and computational analyses (PolyPhen-2, SIFT, AlignGVGD, BLOSUM, MutationTaster) provide inconsistent predictions regarding the impact to the protein; this information is not very predictive of pathogenicity. The variant occurs outside of the splicing consensus sequence and in silico or computational prediction software programs (SpliceSiteFinder, MaxEntScan, NNSPLICE, GeneSplicer) do not predict a difference in splicing. In summary, based on the above information the clinical significance of this variant cannot be determined with certainty at this time. This variant is classified as a variant of uncertain significance.

GeneReviews
No classification provided. Condition: Autosomal dominant Parkinson disease 8. Review status: no classification provided. Collection method: literature only. Allele origin: unknown. Not counted in ClinVar's aggregate classification.

Literature cited by the submitters: PubMed 16157908 (cited by Mayo Clinic Laboratories, Mayo Clinic and Illumina Laboratory Services, Illumina); PubMed 16251215 (cited by Mayo Clinic Laboratories, Mayo Clinic and Illumina Laboratory Services, Illumina); PubMed 17419834 (cited by Mayo Clinic Laboratories, Mayo Clinic and Illumina Laboratory Services, Illumina); PubMed 17914064 (cited by Mayo Clinic Laboratories, Mayo Clinic and Illumina Laboratory Services, Illumina); PubMed 19006185 (cited by Mayo Clinic Laboratories, Mayo Clinic and Illumina Laboratory Services, Illumina); PubMed 20177695 (cited by Mayo Clinic Laboratories, Mayo Clinic and Illumina Laboratory Services, Illumina); PubMed 20642453 (cited by Mayo Clinic Laboratories, Mayo Clinic); PubMed 20301387 (cited by GeneReviews); NCBI Bookshelf NBK1208 (cited by GeneReviews).

NM_198578.4(LRRK2):c.2378G>T (p.Arg793Met)

Gene: LRRK2 (leucine rich repeat kinase 2; plus strand). Cytogenetic location: 12q12.
Variant type: single nucleotide variant.
Coding change: c.2378G>T on transcript NM_198578.4 (MANE Select); coding-DNA position 2378, G replaced by T.
Protein change: p.Arg793Met; replaces arginine 793 with methionine.
Molecular consequence: missense variant.
Genome position (GRCh38, 1-based): chr12:40,284,011, G>T. VCF-style: chr12-40284011-G-T. GRCh37 (hg19) VCF-style: chr12-40677813-G-T.
Other names: short protein forms R793M.
Identifiers: ClinVar variation 39149 (VCV000039149.22), dbSNP rs35173587, ClinGen allele CA343509.